The following is an entry in ClinVar:

ClinVar aggregate classification (germline): Uncertain significance. Review status: criteria provided, multiple submitters, no conflicts (2 of 4 stars). 2 submissions from 2 submitters: Uncertain significance (2). Last evaluated 2024-04-20.

Conditions:
Inborn genetic diseases. Identifiers: MedGen C0950123, MeSH D030342.

Allele frequency attached by ClinVar (database versions not stated): gnomAD exomes 0.00002 and 0.00004; gnomAD 0.00013; TOPMed 0.00022.
gnomAD v4.1: 88 of 1,593,456 alleles (0.0055%); highest among the groups gnomAD compares: Admixed American, 0.031%; no homozygotes.

Submissions (2):

Ambry Genetics
Classification: Uncertain significance for Inborn genetic diseases. Last evaluated: 2024-04-20. Review status: criteria provided, single submitter. Criteria: Ambry Variant Classification Scheme 2023. Collection method: clinical testing. Allele origin: germline.

Labcorp Genetics (formerly Invitae), Labcorp
Classification: Uncertain significance. Last evaluated: 2022-03-11. Review status: criteria provided, single submitter. Criteria: Invitae Variant Classification Sherloc (09022015). Collection method: clinical testing. Allele origin: germline.
Comment: This sequence change replaces proline, which is neutral and non-polar, with serine, which is neutral and polar, at codon 495 of the DLL3 protein (p.Pro495Ser). This variant is present in population databases (rs201354924, gnomAD 0.003%). This variant has not been reported in the literature in individuals affected with DLL3-related conditions. ClinVar contains an entry for this variant (Variation ID: 1055474). Algorithms developed to predict the effect of missense changes on protein structure and function are either unavailable or do not agree on the potential impact of this missense change (SIFT: "Deleterious"; PolyPhen-2: "Possibly Damaging"; Align-GVGD: "Class C0"). In summary, the available evidence is currently insufficient to determine the role of this variant in disease. Therefore, it has been classified as a Variant of Uncertain Significance.

NM_203486.3(DLL3):c.1483C>T (p.Pro495Ser)

Genes: DLL3 (delta like canonical Notch ligand 3; plus strand), LOC130064419 (ATAC-STARR-seq lymphoblastoid silent region 10610; plus strand). Cytogenetic location: 19q13.2.
Variant type: single nucleotide variant.
Coding change: c.1483C>T on transcript NM_203486.3 (MANE Select); coding-DNA position 1483, C replaced by T.
Protein change: p.Pro495Ser; replaces proline 495 with serine.
Molecular consequence: missense variant.
Genome position (GRCh38, 1-based): chr19:39,507,428, C>T. VCF-style: chr19-39507428-C-T. GRCh37 (hg19) VCF-style: chr19-39998068-C-T.
Other names: c.1483C>T, p.Pro495Ser (NM_016941.4); c.1483C>T (NM_016941.3); short protein forms P495S.
Identifiers: ClinVar variation 1055474 (VCV001055474.8), dbSNP rs201354924, ClinGen allele CA9432456.
Genomic context (GRCh38, chr19:39,507,428, plus strand): 5'-GCCTTGCCCGCGGCCCCGCCGGGCCTCAGGCCCGGGGACCCTCAGCGCTACCTTTTGCCT[C>T]CGGCTCTGGGACTGCTCGTGGCCGCGGGCGTGGCCGGCGCTGCGCTCTTGCTGGTCCACG-3'
Protein context (NP_982353.1, residues 485-505): PGDPQRYLLP[Pro495Ser]ALGLLVAAGV